The following is an entry in ClinVar:

ClinVar aggregate classification (germline): Uncertain significance. Review status: criteria provided, multiple submitters, no conflicts (2 of 4 stars). 2 submissions from 2 submitters: Uncertain significance (2). Last evaluated 2023-04-11.

Conditions:
Inborn genetic diseases. Identifiers: MedGen C0950123, MeSH D030342.
Neonatal-onset encephalopathy with rigidity and seizures. Also called: Lethal neonatal spasticity-epileptic encephalopathy syndrome. Identifiers: Orphanet 435845, MedGen C3281029, MONDO:0013784, OMIM 614498.

Allele frequency attached by ClinVar (database versions not stated): gnomAD 0.00001 and 0.00003; gnomAD exomes 0.00001 and 0.00004; TOPMed 0.00002; ExAC 0.00004.
gnomAD v4.1: 20 of 1,608,758 alleles (0.0012%); highest among the groups gnomAD compares: East Asian, 0.0045%; no homozygotes.

Submissions (2):

Ambry Genetics
Classification: Uncertain significance for Inborn genetic diseases. Last evaluated: 2023-04-11. Review status: criteria provided, single submitter. Criteria: Ambry Variant Classification Scheme 2023. Collection method: clinical testing. Allele origin: germline.

Labcorp Genetics (formerly Invitae), Labcorp
Classification: Uncertain significance for Neonatal-onset encephalopathy with rigidity and seizures. Last evaluated: 2022-07-19. Review status: criteria provided, single submitter. Criteria: Invitae Variant Classification Sherloc (09022015). Collection method: clinical testing. Allele origin: germline.
Comment: This sequence change replaces valine, which is neutral and non-polar, with methionine, which is neutral and non-polar, at codon 795 of the BRAT1 protein (p.Val795Met). This variant is present in population databases (rs766445982, gnomAD 0.009%). This variant has not been reported in the literature in individuals affected with BRAT1-related conditions. ClinVar contains an entry for this variant (Variation ID: 1427766). Algorithms developed to predict the effect of missense changes on protein structure and function output the following: SIFT: "Tolerated"; PolyPhen-2: "Benign"; Align-GVGD: "Class C0". The methionine amino acid residue is found in multiple mammalian species, which suggests that this missense change does not adversely affect protein function. In summary, the available evidence is currently insufficient to determine the role of this variant in disease. Therefore, it has been classified as a Variant of Uncertain Significance.

NM_152743.4(BRAT1):c.2383G>A (p.Val795Met)

Gene: BRAT1 (BRCA1 associated ATM activator 1; minus strand). Cytogenetic location: 7p22.3.
Variant type: single nucleotide variant.
Coding change: c.2383G>A on transcript NM_152743.4 (MANE Select); coding-DNA position 2383, G replaced by A.
Protein change: p.Val795Met; replaces valine 795 with methionine.
Molecular consequence: missense variant. On other transcripts: non-coding transcript variant (1).
Genome position (GRCh38, 1-based): chr7:2,538,152, C>T on the plus strand (G>A on the coding strand, the complement: BRAT1 is on the minus strand). VCF-style: chr7-2538152-C-T. GRCh37 (hg19) VCF-style: chr7-2577786-C-T.
Other names: c.2563G>A, p.Val855Met (NM_001350626.2); c.1858G>A, p.Val620Met (NM_001350627.2); c.2383G>A (NM_152743.3); short protein forms V855M, V620M, V795M.
Identifiers: ClinVar variation 1427766 (VCV001427766.6), dbSNP rs766445982, ClinGen allele CA4127373.
Genomic context (GRCh38, chr7:2,538,152, plus strand): 5'-CCTGCAGGAAGCCTCCCGTGGCCAGCATGTCCTGCAGGAGGGACTGGGGACTCTTTTCCA[C>T]GTGGTCGCTGCTCTCGGCCAGCGTGCTCCGCAGGCCCTCCAGGTCTAGGGACCTGAGCAT-3'
Protein context (NP_689956.2, residues 785-805): RSTLAESSDH[Val795Met]EKSPQSLLQD